The following is an entry in ClinVar:

ClinVar aggregate classification (germline): Uncertain significance (1 of 4 stars; one submission).

Submission:

GeneDx
Classification: Uncertain significance. Last evaluated: 2025-05-20. Review status: criteria provided, single submitter. Criteria: GeneDx Variant Classification Process June 2021. Collection method: clinical testing. Allele origin: germline.
Comment: Not observed at significant frequency in large population cohorts (gnomAD); In silico analysis suggests that this missense variant does not alter protein structure/function; Has not been previously published as pathogenic or benign to our knowledge

NM_001382567.1(STIM1):c.1792T>A (p.Ser598Thr)

Gene: STIM1 (stromal interaction molecule 1; plus strand). Cytogenetic location: 11p15.4.
Variant type: single nucleotide variant.
Coding change: c.1792T>A on transcript NM_001382567.1 (MANE Select); coding-DNA position 1792, T replaced by A.
Protein change: p.Ser598Thr; replaces serine 598 with threonine.
Molecular consequence: missense variant. On other transcripts: 3 prime UTR variant (4), non-coding transcript variant (3).
Genome position (GRCh38, 1-based): chr11:4,091,439, T>A. VCF-style: chr11-4091439-T-A. GRCh37 (hg19) VCF-style: chr11-4112669-T-A.
Other names: c.2017T>A, p.Ser673Thr (NM_001277961.3); c.*113T>A (NM_001277962.2, NM_001382578.1, NM_001382579.1 and 1 more transcripts); c.1795T>A, p.Ser599Thr (NM_001382566.1); c.1720T>A, p.Ser574Thr (NM_001382568.1); c.1564T>A, p.Ser522Thr (NM_001382569.1); c.1471T>A, p.Ser491Thr (NM_001382570.1); c.1219T>A, p.Ser407Thr (NM_001382571.1); c.1477T>A, p.Ser493Thr (NM_001382575.1, NM_001382576.1, NM_001382577.1); and 2 more; short protein forms S404T, S407T, S491T, S493T, S522T, S567T, S574T, S598T.
Identifiers: ClinVar variation 3384287 (VCV003384287.2).